The following is an entry in ClinVar:

ClinVar aggregate classification (germline): Benign/Likely benign. Review status: criteria provided, multiple submitters, no conflicts (2 of 4 stars). 4 submissions from 4 submitters: Benign (1); Likely benign (3). Last evaluated 2024-08-28.

Conditions:
Hereditary cancer-predisposing syndrome. Also called: Tumor predisposition; Neoplastic Syndromes, Hereditary; Hereditary Cancer Syndrome; Hereditary neoplastic syndrome. Identifiers: Orphanet 140162, MedGen C0027672, MeSH D009386, MONDO:0015356.
Familial cancer of breast. Also called: BREAST CANCER, FAMILIAL; hereditary breast carcinoma; Hereditary breast cancer. Identifiers: Orphanet 227535, MedGen C0346153, MONDO:0016419, OMIM 114480. Disease mechanism: loss of function.
Ataxia-telangiectasia syndrome (AT). Also called: Ataxia-telangiectasia; Ataxia-telangiectasia, complementation group D; AT, COMPLEMENTATION GROUP C; LOUIS-BAR SYNDROME; Cerebello-oculocutaneous telangiectasia; Immunodeficiency with ataxia telangiectasia. Identifiers: Orphanet 100, MedGen C0004135, MONDO:0008840, OMIM 208900.

Allele frequency attached by ClinVar (database versions not stated): gnomAD exomes 0.00001; gnomAD 0.00002 and 0.00003; TOPMed 0.00003.
gnomAD v4.1: 8 of 1,613,646 alleles (0.0005%); highest among the groups gnomAD compares: Admixed American, 0.013%; no homozygotes.

Submissions (4):

Labcorp Genetics (formerly Invitae), Labcorp
Classification: Likely benign for Ataxia-telangiectasia syndrome. Last evaluated: 2024-08-28. Review status: criteria provided, single submitter. Criteria: Invitae Variant Classification Sherloc (09022015). Collection method: clinical testing. Allele origin: germline.

Myriad Genetics, Inc.
Classification: Benign for Familial cancer of breast. Last evaluated: 2024-05-01. Review status: criteria provided, single submitter. Criteria: Myriad Autosomal Dominant, Autosomal Recessive and X-Linked Classification Criteria (2023). Collection method: clinical testing. Allele origin: unknown.
Comment: This variant is considered benign. This variant is a silent/synonymous amino acid change and it is not expected to impact splicing.

Ambry Genetics
Classification: Likely benign for Hereditary cancer-predisposing syndrome. Last evaluated: 2018-04-30. Review status: criteria provided, single submitter. Criteria: Ambry Variant Classification Scheme 2023. Collection method: clinical testing. Allele origin: germline.

Color Diagnostics, LLC DBA Color Health
Classification: Likely benign for Hereditary cancer-predisposing syndrome. Last evaluated: 2016-11-28. Review status: criteria provided, single submitter. Criteria: ACMG Guidelines, 2015. Collection method: clinical testing. Allele origin: germline.

NM_000051.4(ATM):c.1707C>T (p.Ser569=)

Gene: ATM (ATM serine/threonine kinase; plus strand). Cytogenetic location: 11q22.3.
Variant type: single nucleotide variant.
Coding change: c.1707C>T on transcript NM_000051.4 (MANE Select); coding-DNA position 1707, C replaced by T.
Protein change: p.Ser569=; no amino-acid change (serine 569 retained).
Molecular consequence: synonymous variant.
Genome position (GRCh38, 1-based): chr11:108,251,936, C>T. VCF-style: chr11-108251936-C-T. GRCh37 (hg19) VCF-style: chr11-108122663-C-T.
Other names: c.1707C>T, p.Ser569= (NM_001351834.2).
Identifiers: ClinVar variation 490432 (VCV000490432.18), dbSNP rs1381837075, ClinGen allele CA476672136.